The following is an entry in ClinVar:

ClinVar aggregate classification (germline): Uncertain significance (1 of 4 stars; one submission).

Conditions:
Familial adenomatous polyposis 1 (FAP1). Also called: FAMILIAL ADENOMATOUS POLYPOSIS 1, ATTENUATED; POLYPOSIS, ADENOMATOUS INTESTINAL. Identifiers: MedGen C2713442, MONDO:0021056, OMIM 175100. Disease mechanism: loss of function.

Submission:

Labcorp Genetics (formerly Invitae), Labcorp
Classification: Uncertain significance for Familial adenomatous polyposis 1. Last evaluated: 2024-05-23. Review status: criteria provided, single submitter. Criteria: Invitae Variant Classification Sherloc (09022015). Collection method: clinical testing. Allele origin: germline.
Comment: This variant, c.171_173del, results in the deletion of 1 amino acid(s) of the APC protein (p.Asp57del), but otherwise preserves the integrity of the reading frame. This variant is not present in population databases (gnomAD no frequency). This variant has not been reported in the literature in individuals affected with APC-related conditions. Experimental studies and prediction algorithms are not available or were not evaluated, and the functional significance of this variant is currently unknown. In summary, the available evidence is currently insufficient to determine the role of this variant in disease. Therefore, it has been classified as a Variant of Uncertain Significance.

NM_000038.6(APC):c.171_173del (p.Asp57del)

Gene: APC (APC regulator of Wnt signaling pathway; plus strand). Cytogenetic location: 5q22.2.
Variant type: Deletion.
Coding change: c.171_173del on transcript NM_000038.6 (MANE Select); coding-DNA positions 171 to 173, 3 bases deleted (TGA; older notation c.171_173delTGA).
Protein change: p.Asp57del; deletes aspartic acid 57.
Molecular consequence: 5 prime UTR variant (on NM_001354900.2). On other transcripts: non-coding transcript variant (2).
Genome position (GRCh38, 1-based): chr5:112,766,361-112,766,363, TGA deleted; deleting any 3 consecutive bases within chr5:112,766,359-112,766,363 gives the same sequence; the c. name uses the placement nearest the transcript's 3' end. VCF-style (leftmost placement, unchanged base first): chr5-112766358-AGAT-A. GRCh37 (hg19) VCF-style: chr5-112102055-AGAT-A.
Other names: c.171_173del, p.Asp57del (NM_001127510.3, NM_001354895.2, NM_001354896.2 and 16 more transcripts); c.201_203del, p.Asp67del (NM_001127511.3, NM_001354897.2, NM_001354902.2 and 1 more transcripts); c.96_98del, p.Asp32del (NM_001354898.2, NM_001354904.2, NM_001407451.1); c.-7_-5del (NM_001354900.2, NM_001354901.2, NM_001354905.2 and 1 more transcripts); c.-865_-863del (NM_001354906.2, NM_001407470.1, NM_001407471.1 and 1 more transcripts); short protein forms D57del, D67del, D32del.
Identifiers: ClinVar variation 3697364 (VCV003697364.2).